The following is an entry in ClinVar:

ClinVar aggregate classification (germline): Uncertain significance (1 of 4 stars; one submission).

Conditions:
Dyskeratosis congenita. Identifiers: Orphanet 1775, MedGen C0265965, MONDO:0015780.

Allele frequency attached by ClinVar (database versions not stated): gnomAD exomes below 0.00001; gnomAD 0.00001; TOPMed 0.00001.
gnomAD v4.1: 2 of 1,610,412 alleles (0.00012%); highest among the groups gnomAD compares: Admixed American, 0.0034%; no homozygotes.

Submission:

Labcorp Genetics (formerly Invitae), Labcorp
Classification: Uncertain significance for Dyskeratosis congenita. Last evaluated: 2023-11-13. Review status: criteria provided, single submitter. Criteria: Invitae Variant Classification Sherloc (09022015). Collection method: clinical testing. Allele origin: germline.
Comment: This sequence change replaces glycine, which is neutral and non-polar, with glutamic acid, which is acidic and polar, at codon 771 of the CTC1 protein (p.Gly771Glu). This variant is not present in population databases (gnomAD no frequency). This variant has not been reported in the literature in individuals affected with CTC1-related conditions. ClinVar contains an entry for this variant (Variation ID: 861321). Advanced modeling of protein sequence and biophysical properties (such as structural, functional, and spatial information, amino acid conservation, physicochemical variation, residue mobility, and thermodynamic stability) performed at Invitae indicates that this missense variant is not expected to disrupt CTC1 protein function with a negative predictive value of 80%. In summary, the available evidence is currently insufficient to determine the role of this variant in disease. Therefore, it has been classified as a Variant of Uncertain Significance.

NM_025099.6(CTC1):c.2312G>A (p.Gly771Glu)

Gene: CTC1 (CST telomere replication complex component 1; minus strand). Cytogenetic location: 17p13.1.
Variant type: single nucleotide variant.
Coding change: c.2312G>A on transcript NM_025099.6 (MANE Select); coding-DNA position 2312, G replaced by A.
Protein change: p.Gly771Glu; replaces glycine 771 with glutamic acid.
Molecular consequence: missense variant. On other transcripts: non-coding transcript variant (1).
Genome position (GRCh38, 1-based): chr17:8,231,976, C>T on the plus strand (G>A on the coding strand, the complement: CTC1 is on the minus strand). VCF-style: chr17-8231976-C-T. GRCh37 (hg19) VCF-style: chr17-8135294-C-T.
Other names: short protein forms G771E.
Identifiers: ClinVar variation 861321 (VCV000861321.9), dbSNP rs1287605629, ClinGen allele CA397977558.